The following is an entry in ClinVar:

ClinVar aggregate classification (germline): Benign/Likely benign. Review status: criteria provided, multiple submitters, no conflicts (2 of 4 stars). 3 submissions from 3 submitters: Benign (1); Likely benign (1). 1 of the submissions does not count toward it. Last evaluated 2026-01-12.

Conditions:
FN1-related disorder. Also called: FN1-related condition.

Allele frequency attached by ClinVar (database versions not stated): gnomAD 0.00017 and 0.00032; TOPMed 0.00030; ESP Exome Variant Server 0.00069; gnomAD exomes 0.00069 and 0.00072; ExAC 0.00081; 1000 Genomes Project 0.00120; 1000 Genomes Project 30x 0.00125.
gnomAD v4.1: 1,049 of 1,614,046 alleles (0.065%); highest among the groups gnomAD compares: South Asian, 0.4%; 6 homozygotes.

Submissions (3):

Labcorp Genetics (formerly Invitae), Labcorp
Classification: Benign. Last evaluated: 2026-01-12. Review status: criteria provided, single submitter. Criteria: Invitae Variant Classification Sherloc (09022015). Collection method: clinical testing. Allele origin: germline.

Blueprint Genetics
Classification: Likely benign. Last evaluated: 2024-11-08. Review status: criteria provided, single submitter. Criteria: ACMG Guidelines, 2015. Collection method: clinical testing. Allele origin: germline.

PreventionGenetics, part of Exact Sciences
Classification: Likely benign for FN1-related condition. Last evaluated: 2020-07-15. Review status: no assertion criteria provided. Collection method: clinical testing. Allele origin: germline. Not counted in ClinVar's aggregate classification.
Comment: This variant is classified as likely benign based on ACMG/AMP sequence variant interpretation guidelines (Richards et al. 2015 PMID: 25741868, with internal and published modifications).

NM_212482.4(FN1):c.2144C>T (p.Thr715Met)

Gene: FN1 (fibronectin 1; minus strand). Cytogenetic location: 2q35.
Variant type: single nucleotide variant.
Coding change: c.2144C>T on transcript NM_212482.4 (MANE Select); coding-DNA position 2144, C replaced by T.
Protein change: p.Thr715Met; replaces threonine 715 with methionine.
Molecular consequence: missense variant.
Genome position (GRCh38, 1-based): chr2:215,409,718, G>A on the plus strand (C>T on the coding strand, the complement: FN1 is on the minus strand). VCF-style: chr2-215409718-G-A. GRCh37 (hg19) VCF-style: chr2-216274441-G-A.
Other names: c.2144C>T, p.Thr715Met (NM_001306129.2, NM_001306130.2, NM_001306131.2 and 13 more transcripts); short protein forms T715M.
Identifiers: ClinVar variation 750263 (VCV000750263.12), dbSNP rs144664306, ClinGen allele CA2095054.
Genomic context (GRCh38, chr2:215,409,718, plus strand): 5'-CTACTGGCTGTGATTTCGGTCACAGATTCAGAAGTGGCCACAAGAGGAGAAAAGGGAGTC[G>A]TCTCTCCTGTCACGGTGTTGCCTAGAGAGTCACAGAAAGGGGAAAGTCAGCCTTCAGTCA-3'
Protein context (NP_997647.2, residues 705-725): PVTSNTVTGE[Thr715Met]TPFSPLVATS